The following is an entry in ClinVar:

NM_032578.4(MYPN):c.500C>T (p.Ser167Phe)

Gene: MYPN (myopalladin; plus strand). Cytogenetic location: 10q21.3.
Variant type: single nucleotide variant.
Coding change: c.500C>T on transcript NM_032578.4 (MANE Select); coding-DNA position 500, C replaced by T.
Protein change: p.Ser167Phe; replaces serine 167 with phenylalanine.
Molecular consequence: missense variant. On other transcripts: 5 prime UTR variant (1), non-coding transcript variant (1).
Genome position (GRCh38, 1-based): chr10:68,121,938, C>T. VCF-style: chr10-68121938-C-T. GRCh37 (hg19) VCF-style: chr10-69881695-C-T.
Other names: c.500C>T, p.Ser167Phe (NM_001256267.2); c.-623C>T (NM_001256268.2); short protein forms S167F.
Identifiers: ClinVar variation 2526177 (VCV002526177.3), dbSNP rs745984657, ClinGen allele CA5522281.

ClinVar aggregate classification (germline): Uncertain significance (1 of 4 stars; one submission).

Conditions:
Cardiovascular phenotype. Identifiers: MedGen CN230736.

Allele frequency attached by ClinVar (database versions not stated): gnomAD 0.00001; gnomAD exomes 0.00001; TOPMed 0.00001; ExAC 0.00002.
gnomAD v4.1: 5 of 1,614,048 alleles (0.00031%); highest among the groups gnomAD compares: East Asian, 0.011%; no homozygotes.

Submission:

Ambry Genetics
Classification: Uncertain significance for Cardiovascular phenotype. Last evaluated: 2025-04-07. Review status: criteria provided, single submitter. Criteria: Ambry Variant Classification Scheme 2023. Collection method: clinical testing. Allele origin: germline.
Comment: The p.S167F variant (also known as c.500C>T), located in coding exon 1 of the MYPN gene, results from a C to T substitution at nucleotide position 500. The serine at codon 167 is replaced by phenylalanine, an amino acid with highly dissimilar properties. This amino acid position is conserved. In addition, this alteration is predicted to be tolerated by in silico analysis. Based on the available evidence, the clinical significance of this variant remains unclear.